The following is an entry in ClinVar:

ClinVar aggregate classification (germline): Uncertain significance (1 of 4 stars; one submission).

Allele frequency attached by ClinVar (database versions not stated): gnomAD 0.00036.

Submission:

CeGaT Center for Human Genetics Tuebingen
Classification: Uncertain significance. Last evaluated: 2023-09-01. Review status: criteria provided, single submitter. Criteria: CeGaT Center For Human Genetics Tuebingen Variant Classification Criteria Version 2. Collection method: clinical testing. Allele origin: germline. Affected: yes. Observed: 1 variant allele.
Comment: HYDIN: PM2

NM_001270974.2(HYDIN):c.9482C>T (p.Ala3161Val)

Gene: HYDIN (HYDIN axonemal central pair apparatus protein; minus strand). Cytogenetic location: 16q22.2.
Variant type: single nucleotide variant.
Coding change: c.9482C>T on transcript NM_001270974.2 (MANE Select); coding-DNA position 9482, C replaced by T.
Protein change: p.Ala3161Val; replaces alanine 3161 with valine.
Molecular consequence: missense variant.
Genome position (GRCh38, 1-based): chr16:70,891,820, G>A on the plus strand (C>T on the coding strand, the complement: HYDIN is on the minus strand). VCF-style: chr16-70891820-G-A. GRCh37 (hg19) VCF-style: chr16-70925723-G-A.
Other names: short protein forms A3161V.
Identifiers: ClinVar variation 2646726 (VCV002646726.24), dbSNP rs200297970, ClinGen allele CA283507278.